The following is an entry in ClinVar:

NM_005902.4(SMAD3):c.964C>T (p.Gln322Ter)

Gene: SMAD3 (SMAD family member 3; plus strand). Cytogenetic location: 15q22.33.
Variant type: single nucleotide variant.
Coding change: c.964C>T on transcript NM_005902.4 (MANE Select); coding-DNA position 964, C replaced by T.
Protein change: p.Gln322Ter; replaces glutamine 322 with a stop codon.
Molecular consequence: nonsense.
Genome position (GRCh38, 1-based): chr15:67,184,819, C>T. VCF-style: chr15-67184819-C-T. GRCh37 (hg19) VCF-style: chr15-67477157-C-T.
Other names: c.649C>T, p.Gln217Ter (NM_001145102.2); c.832C>T, p.Gln278Ter (NM_001145103.2); c.379C>T, p.Gln127Ter (NM_001145104.2); short protein forms Q217*, Q127*, Q278*, Q322*.
Identifiers: ClinVar variation 1423096 (VCV001423096.6), dbSNP rs1963178887, ClinGen allele CA392957145.

ClinVar aggregate classification (germline): Pathogenic (1 of 4 stars; one submission).

Conditions:
Familial thoracic aortic aneurysm and aortic dissection (TAAD). Also called: Thoracic aortic aneurysms and dissections. Identifiers: Orphanet 91387, MedGen C4707243, MONDO:0019625.

Submission:

Labcorp Genetics (formerly Invitae), Labcorp
Classification: Pathogenic for Familial thoracic aortic aneurysm and aortic dissection. Last evaluated: 2022-01-06. Review status: criteria provided, single submitter. Criteria: Invitae Variant Classification Sherloc (09022015). Collection method: clinical testing. Allele origin: germline.
Comment: For these reasons, this variant has been classified as Pathogenic. This variant has not been reported in the literature in individuals affected with SMAD3-related conditions. This variant is not present in population databases (gnomAD no frequency). This sequence change creates a premature translational stop signal (p.Gln322*) in the SMAD3 gene. It is expected to result in an absent or disrupted protein product. Loss-of-function variants in SMAD3 are known to be pathogenic (PMID: 21778426, 24804794).

Literature cited by the submitters: PubMed 21778426; PubMed 24804794.